The following is an entry in ClinVar:

ClinVar aggregate classification (germline): Likely benign. Review status: criteria provided, multiple submitters, no conflicts (2 of 4 stars). 2 submissions from 2 submitters: Likely benign (2). Last evaluated 2026-04-01.

Conditions:
Intellectual developmental disorder, autosomal dominant 6, with or without seizures. Also called: GRIN2B-related developmental delay, intellectual disability and autism spectrum disorder; Intellectual disability, autosomal dominant 6. Identifiers: Orphanet 589547, MedGen C3151411, MONDO:0013509, OMIM 613970.
Developmental and epileptic encephalopathy, 27 (DEE27). Also called: Epileptic encephalopathy, early infantile, 27; GRIN2B-Related Neurodevelopmental Disorder. Identifiers: Orphanet 3451, MedGen C4015316, MONDO:0014505, OMIM 616139.

Allele frequency attached by ClinVar (database versions not stated): TOPMed below 0.00001; ExAC 0.00001.
gnomAD v4.1: 16 of 1,614,156 alleles (0.00099%); highest among the groups gnomAD compares: Admixed American, 0.0017%; no homozygotes.

Submissions (2):

CeGaT Center for Human Genetics Tuebingen
Classification: Likely benign. Last evaluated: 2026-04-01. Review status: criteria provided, single submitter. Criteria: CeGaT Center For Human Genetics Tuebingen Variant Classification Criteria Version 2. Collection method: clinical testing. Allele origin: germline. Affected: yes. Observed: 1 variant allele.
Comment: GRIN2B: BP4, BP7

Labcorp Genetics (formerly Invitae), Labcorp
Classification: Likely benign for Developmental and epileptic encephalopathy, 27; Intellectual developmental disorder, autosomal dominant 6, with or without seizures. Last evaluated: 2025-05-22. Review status: criteria provided, single submitter. Criteria: Invitae Variant Classification Sherloc (09022015). Collection method: clinical testing. Allele origin: germline.

NM_000834.5(GRIN2B):c.3114G>C (p.Leu1038=)

Gene: GRIN2B (glutamate ionotropic receptor NMDA type subunit 2B; minus strand). Cytogenetic location: 12p13.1.
Variant type: single nucleotide variant.
Coding change: c.3114G>C on transcript NM_000834.5 (MANE Select); coding-DNA position 3114, G replaced by C.
Protein change: p.Leu1038=; no amino-acid change (leucine 1038 retained).
Molecular consequence: synonymous variant.
Genome position (GRCh38, 1-based): chr12:13,564,124, C>G on the plus strand (G>C on the coding strand, the complement: GRIN2B is on the minus strand). VCF-style: chr12-13564124-C-G. GRCh37 (hg19) VCF-style: chr12-13717058-C-G.
Other names: c.3114G>C, p.Leu1038= (NM_001413992.1).
Identifiers: ClinVar variation 2935850 (VCV002935850.5), dbSNP rs753715256, ClinGen allele CA6460945.